The following is an entry in ClinVar:

NM_000531.6(OTC):c.663G>A (p.Lys221=)

Gene: OTC (ornithine transcarbamylase; plus strand). Cytogenetic location: Xp11.4.
Variant type: single nucleotide variant.
Coding change: c.663G>A on transcript NM_000531.6 (MANE Select); coding-DNA position 663, G replaced by A.
Protein change: p.Lys221=; no amino-acid change (lysine 221 retained).
Molecular consequence: synonymous variant.
Genome position (GRCh38, 1-based): chrX:38,403,740, G>A. VCF-style: chrX-38403740-G-A. GRCh37 (hg19) VCF-style: chrX-38262993-G-A.
Identifiers: ClinVar variation 97286 (VCV000097286.2), dbSNP rs281865552, ClinGen allele CA224733.

ClinVar aggregate classification (germline): Pathogenic (0 of 4 stars; one submission).

Submission:

GenMed Metabolism Lab
Classification: Pathogenic. Review status: no assertion criteria provided. Collection method: not provided. Allele origin: unknown.
Comment: p.Lys221Lys, Late, Donor splice site error
ClinVar note: Converted during submission from pathogenic to Pathogenic.